The following is an entry in ClinVar:

ClinVar aggregate classification (germline): Uncertain significance. Review status: criteria provided, multiple submitters, no conflicts (2 of 4 stars). 2 submissions from 2 submitters: Uncertain significance (2). Last evaluated 2024-03-14.

Conditions:
Charcot-Marie-Tooth disease type 2. Also called: Charcot-Marie-Tooth type 2. Identifiers: Orphanet 64746, MedGen C0270914, MONDO:0018993.

Allele frequency attached by ClinVar (database versions not stated): gnomAD exomes below 0.00001.
gnomAD v4.1: 2 of 1,614,126 alleles (0.00012%); highest among the groups gnomAD compares: Non-Finnish European, 0.00017%; no homozygotes.

Submissions (2):

Blueprint Genetics
Classification: Uncertain significance. Last evaluated: 2024-03-14. Review status: criteria provided, single submitter. Criteria: ACMG Guidelines, 2015. Collection method: clinical testing. Allele origin: germline.

Labcorp Genetics (formerly Invitae), Labcorp
Classification: Uncertain significance for Charcot-Marie-Tooth disease type 2. Last evaluated: 2022-04-04. Review status: criteria provided, single submitter. Criteria: Invitae Variant Classification Sherloc (09022015). Collection method: clinical testing. Allele origin: germline.
Comment: Algorithms developed to predict the effect of missense changes on protein structure and function are either unavailable or do not agree on the potential impact of this missense change (SIFT: "Deleterious"; PolyPhen-2: "Possibly Damaging"; Align-GVGD: "Class C0"). In summary, the available evidence is currently insufficient to determine the role of this variant in disease. Therefore, it has been classified as a Variant of Uncertain Significance. This variant has not been reported in the literature in individuals affected with AARS-related conditions. This variant is present in population databases (no rsID available, gnomAD 0.0009%). This sequence change replaces isoleucine, which is neutral and non-polar, with threonine, which is neutral and polar, at codon 10 of the AARS protein (p.Ile10Thr).

NM_001605.3(AARS1):c.29T>C (p.Ile10Thr)

Gene: AARS1 (alanyl-tRNA synthetase 1; minus strand). Cytogenetic location: 16q22.1.
Variant type: single nucleotide variant.
Coding change: c.29T>C on transcript NM_001605.3 (MANE Select); coding-DNA position 29, T replaced by C.
Protein change: p.Ile10Thr; replaces isoleucine 10 with threonine.
Molecular consequence: missense variant.
Genome position (GRCh38, 1-based): chr16:70,282,735, A>G on the plus strand (T>C on the coding strand, the complement: AARS1 is on the minus strand). VCF-style: chr16-70282735-A-G. GRCh37 (hg19) VCF-style: chr16-70316638-A-G.
Other names: short protein forms I10T.
Identifiers: ClinVar variation 2121225 (VCV002121225.5), dbSNP rs1293134735, ClinGen allele CA396570701.
Genomic context (GRCh38, chr16:70,282,735, plus strand): 5'-GCAGACGAGTGAACATACGTATGCTCGTTCCTCTTGAAGAAATCTATAAATCGCTGCCGG[A>G]TTTCACTTGCTGTTAGAGTAGAGTCCATCTTGAAAGTCACCCCAAAGAACTAATCAAAGA-3'
Protein context (NP_001596.2, residues 1-20): MDSTLTASE[Ile10Thr]RQRFIDFFKR